The following is an entry in ClinVar:

ClinVar aggregate classification (germline): Pathogenic (1 of 4 stars; one submission).

Conditions:
Myofibrillar myopathy 5. Also called: FILAMINOPATHY, AUTOSOMAL DOMINANT; Filaminopathy (type). Identifiers: Orphanet 171445, MedGen C1836050, MONDO:0012289, OMIM 609524.
Hypertrophic cardiomyopathy 26. Also called: Cardiomyopathy, familial hypertrophic, 26. Identifiers: Orphanet 75249, MedGen C4310749, MONDO:0014883, OMIM 617047.
Distal myopathy with posterior leg and anterior hand involvement. Also called: WILLIAMS DISTAL MYOPATHY. Identifiers: Orphanet 63273, MedGen C3279722, MONDO:0013550, OMIM 614065.

Submission:

Labcorp Genetics (formerly Invitae), Labcorp
Classification: Pathogenic for Distal myopathy with posterior leg and anterior hand involvement; Myofibrillar myopathy 5; Hypertrophic cardiomyopathy 26. Last evaluated: 2023-12-19. Review status: criteria provided, single submitter. Criteria: Invitae Variant Classification Sherloc (09022015). Collection method: clinical testing. Allele origin: germline.
Comment: This sequence change creates a premature translational stop signal (p.Val2279Profs*144) in the FLNC gene. It is expected to result in an absent or disrupted protein product. Loss-of-function variants in FLNC are known to be pathogenic (PMID: 27908349). This variant is not present in population databases (gnomAD no frequency). This variant has not been reported in the literature in individuals affected with FLNC-related conditions. For these reasons, this variant has been classified as Pathogenic.

Literature cited by the submitters: PubMed 27908349.

NM_001458.5(FLNC):c.6835_6838del (p.Val2279fs)

Genes: FLNC (filamin C; plus strand), FLNC-AS1 (FLNC antisense RNA 1; minus strand). Cytogenetic location: 7q32.1.
Variant type: Deletion.
Coding change: c.6835_6838del on transcript NM_001458.5 (MANE Select); coding-DNA positions 6835 to 6838, 4 bases deleted (GTGC; older notation c.6835_6838delGTGC).
Protein change: p.Val2279fs; shifts the reading frame from valine 2279.
Molecular consequence: frameshift variant.
Genome position (GRCh38, 1-based): chr7:128,854,520-128,854,523, GTGC deleted. VCF-style (leftmost placement, unchanged base first): chr7-128854519-TGTGC-T. GRCh37 (hg19) VCF-style: chr7-128494573-TGTGC-T.
Other names: c.6736_6739del, p.Val2246fs (NM_001127487.2); short protein forms V2279fs, V2246fs.
Identifiers: ClinVar variation 2921548 (VCV002921548.3), dbSNP rs2536665068, ClinGen allele CA2740094875.